The following is an entry in ClinVar:

ClinVar aggregate classification (germline): Uncertain significance (1 of 4 stars; one submission).

Submission:

Labcorp Genetics (formerly Invitae), Labcorp
Classification: Uncertain significance. Last evaluated: 2024-02-18. Review status: criteria provided, single submitter. Criteria: Invitae Variant Classification Sherloc (09022015). Collection method: clinical testing. Allele origin: germline.
Comment: This sequence change replaces valine, which is neutral and non-polar, with leucine, which is neutral and non-polar, at codon 299 of the SLC25A32 protein (p.Val299Leu). This variant is not present in population databases (gnomAD no frequency). This variant has not been reported in the literature in individuals affected with SLC25A32-related conditions. Advanced modeling of protein sequence and biophysical properties (such as structural, functional, and spatial information, amino acid conservation, physicochemical variation, residue mobility, and thermodynamic stability) performed at Invitae indicates that this missense variant is not expected to disrupt SLC25A32 protein function with a negative predictive value of 80%. In summary, the available evidence is currently insufficient to determine the role of this variant in disease. Therefore, it has been classified as a Variant of Uncertain Significance.

NM_030780.5(SLC25A32):c.895G>T (p.Val299Leu)

Gene: SLC25A32 (solute carrier family 25 member 32; minus strand). Cytogenetic location: 8q22.3.
Variant type: single nucleotide variant.
Coding change: c.895G>T on transcript NM_030780.5 (MANE Select); coding-DNA position 895, G replaced by T.
Protein change: p.Val299Leu; replaces valine 299 with leucine.
Molecular consequence: missense variant. On other transcripts: non-coding transcript variant (2).
Genome position (GRCh38, 1-based): chr8:103,400,464, C>A on the plus strand (G>T on the coding strand, the complement: SLC25A32 is on the minus strand). VCF-style: chr8-103400464-C-A. GRCh37 (hg19) VCF-style: chr8-104412692-C-A.
Other names: short protein forms V299L.
Identifiers: ClinVar variation 3641896 (VCV003641896.2).